The following is an entry in ClinVar:

ClinVar aggregate classification (germline): Uncertain significance (1 of 4 stars; one submission).

Conditions:
Hereditary cancer-predisposing syndrome. Also called: Tumor predisposition; Hereditary neoplastic syndrome; Hereditary Cancer Syndrome; Neoplastic Syndromes, Hereditary. Identifiers: Orphanet 140162, MedGen C0027672, MeSH D009386, MONDO:0015356.

Submission:

Ambry Genetics
Classification: Uncertain significance for Hereditary cancer-predisposing syndrome. Last evaluated: 2025-05-04. Review status: criteria provided, single submitter. Criteria: Ambry Variant Classification Scheme 2023. Collection method: clinical testing. Allele origin: germline.
Comment: The p.E311K variant (also known as c.931G>A), located in coding exon 10 of the POLE gene, results from a G to A substitution at nucleotide position 931. The glutamic acid at codon 311 is replaced by lysine, an amino acid with similar properties. This amino acid position is conserved. In addition, the in silico prediction for this alteration is inconclusive. Based on the available evidence, the clinical significance of this variant remains unclear.

NM_006231.4(POLE):c.931G>A (p.Glu311Lys)

Gene: POLE (DNA polymerase epsilon, catalytic subunit; minus strand). Cytogenetic location: 12q24.33.
Variant type: single nucleotide variant.
Coding change: c.931G>A on transcript NM_006231.4 (MANE Select); coding-DNA position 931, G replaced by A.
Protein change: p.Glu311Lys; replaces glutamic acid 311 with lysine.
Molecular consequence: missense variant.
Genome position (GRCh38, 1-based): chr12:132,676,183, C>T on the plus strand (G>A on the coding strand, the complement: POLE is on the minus strand). VCF-style: chr12-132676183-C-T. GRCh37 (hg19) VCF-style: chr12-133252769-C-T.
Other names: short protein forms E311K.
Identifiers: ClinVar variation 3935757 (VCV003935757.1).